The following is an entry in ClinVar:

NM_177939.3(P4HTM):c.1407G>T (p.Leu469=)

Gene: P4HTM (prolyl 4-hydroxylase, transmembrane; plus strand). Cytogenetic location: 3p21.31.
Variant type: single nucleotide variant.
Coding change: c.1407G>T on transcript NM_177939.3 (MANE Select); coding-DNA position 1407, G replaced by T.
Protein change: p.Leu469=; no amino-acid change (leucine 469 retained).
Molecular consequence: synonymous variant.
Genome position (GRCh38, 1-based): chr3:49,006,805, G>T. VCF-style: chr3-49006805-G-T. GRCh37 (hg19) VCF-style: chr3-49044238-G-T.
Other names: c.1590G>T, p.Leu530= (NM_177938.2).
Identifiers: ClinVar variation 3388469 (VCV003388469.15).

ClinVar aggregate classification (germline): Likely benign. Review status: criteria provided, multiple submitters, no conflicts (2 of 4 stars). 2 submissions from 2 submitters: Likely benign (2). Last evaluated 2024-10-01.

gnomAD v4.1: 474 of 1,613,526 alleles (0.029%); highest among the groups gnomAD compares: South Asian, 0.5%; 2 homozygotes.

Submissions (2):

CeGaT Center for Human Genetics Tuebingen
Classification: Likely benign. Last evaluated: 2024-10-01. Review status: criteria provided, single submitter. Criteria: CeGaT Center For Human Genetics Tuebingen Variant Classification Criteria Version 2. Collection method: clinical testing. Allele origin: germline. Affected: yes. Observed: 1 variant allele.
Comment: P4HTM: BP4, BP7

Blueprint Genetics
Classification: Likely benign. Last evaluated: 2024-09-23. Review status: criteria provided, single submitter. Criteria: ACMG Guidelines, 2015. Collection method: clinical testing. Allele origin: germline.